The following is an entry in ClinVar:

ClinVar aggregate classification (germline): Uncertain significance (1 of 4 stars; one submission).

Conditions:
Inborn genetic diseases. Identifiers: MedGen C0950123, MeSH D030342.

Submission:

Ambry Genetics
Classification: Uncertain significance for Inborn genetic diseases. Last evaluated: 2024-11-24. Review status: criteria provided, single submitter. Criteria: Ambry Variant Classification Scheme 2023. Collection method: clinical testing. Allele origin: germline.
Comment: The p.G64R variant (also known as c.190G>C), located in coding exon 2 of the HAX1 gene, results from a G to C substitution at nucleotide position 190. The glycine at codon 64 is replaced by arginine, an amino acid with dissimilar properties. This amino acid position is conserved. In addition, this alteration is predicted to be tolerated by in silico analysis. Based on the available evidence, the clinical significance of this variant remains unclear.

NM_006118.4(HAX1):c.190G>C (p.Gly64Arg)

Gene: HAX1 (HCLS1 associated protein X-1; plus strand). Cytogenetic location: 1q21.3.
Variant type: single nucleotide variant.
Coding change: c.190G>C on transcript NM_006118.4 (MANE Select); coding-DNA position 190, G replaced by C.
Protein change: p.Gly64Arg; replaces glycine 64 with arginine.
Molecular consequence: missense variant. On other transcripts: intron variant (1).
Genome position (GRCh38, 1-based): chr1:154,273,472, G>C. VCF-style: chr1-154273472-G-C. GRCh37 (hg19) VCF-style: chr1-154245948-G-C.
Other names: c.54-8G>C (NM_001018837.2); short protein forms G64R.
Identifiers: ClinVar variation 3524082 (VCV003524082.1).